The following is an entry in ClinVar:

ClinVar aggregate classification (germline): Uncertain significance (1 of 4 stars; one submission).

Conditions:
Dyskeratosis congenita. Identifiers: Orphanet 1775, MedGen C0265965, MONDO:0015780.

Allele frequency attached by ClinVar (database versions not stated): gnomAD exomes below 0.00001.
gnomAD v4.1: 4 of 1,614,200 alleles (0.00025%); highest among the groups gnomAD compares: Non-Finnish European, 0.00034%; no homozygotes.

Submission:

Ambry Genetics
Classification: Uncertain significance for Dyskeratosis congenita. Last evaluated: 2022-11-25. Review status: criteria provided, single submitter. Criteria: Ambry Variant Classification Scheme 2023. Collection method: clinical testing. Allele origin: germline.
Comment: The p.P1029A variant (also known as c.3085C>G), located in coding exon 14 of the TERT gene, results from a C to G substitution at nucleotide position 3085. The proline at codon 1029 is replaced by alanine, an amino acid with highly similar properties. This amino acid position is conserved. In addition, the in silico prediction for this alteration is inconclusive. Since supporting evidence is limited at this time, the clinical significance of this alteration remains unclear.

NM_198253.3(TERT):c.3085C>G (p.Pro1029Ala)

Gene: TERT (telomerase reverse transcriptase; minus strand). Cytogenetic location: 5p15.33.
Variant type: single nucleotide variant.
Coding change: c.3085C>G on transcript NM_198253.3 (MANE Select); coding-DNA position 3085, C replaced by G.
Protein change: p.Pro1029Ala; replaces proline 1029 with alanine.
Molecular consequence: missense variant. On other transcripts: non-coding transcript variant (2).
Genome position (GRCh38, 1-based): chr5:1,255,359, G>C on the plus strand (C>G on the coding strand, the complement: TERT is on the minus strand). VCF-style: chr5-1255359-G-C. GRCh37 (hg19) VCF-style: chr5-1255474-G-C.
Other names: c.2896C>G, p.Pro966Ala (NM_001193376.3); c.3085C>G, p.Pro1029Ala (NM_003219.1); short protein forms P966A, P1029A.
Identifiers: ClinVar variation 2447512 (VCV002447512.2), dbSNP rs2126562746, ClinGen allele CA359068229.
Genomic context (GRCh38, chr5:1,255,359, plus strand): 5'-CTTTCAGGATGGAGTAGCAGAGGGAGGCCGTGTCAGAGATGACGCGCAGGAAAAATGTGG[G>C]GTTCTTCCAAACTTGCTGATGAAATGGGAGCTGCAGCACACATGCGTGAAACCTGAGAGG-3'
Protein context (NP_937983.2, residues 1019-1039): LPFHQQVWKN[Pro1029Ala]TFFLRVISDT